The following is an entry in ClinVar:

NM_001165963.4(SCN1A):c.4002+1985del

Genes: SCN1A (sodium voltage-gated channel alpha subunit 1; minus strand), LOC102724058 (uncharacterized LOC102724058; plus strand). Cytogenetic location: 2q24.3.
Variant type: Deletion.
Coding change: c.4002+1985del on transcript NM_001165963.4 (MANE Select); 1985 bases into the intron after coding-DNA position 4002, one base deleted (C; older notation c.4002+1985delC).
Molecular consequence: intron variant.
Genome position (GRCh38, 1-based): chr2:166,007,734, G deleted on the plus strand (C on the coding strand, the reverse complement: SCN1A is on the minus strand). VCF-style (leftmost placement, unchanged base first): chr2-166007733-AG-A. GRCh37 (hg19) VCF-style: chr2-166864243-AG-A.
Other names: c.3969+1985del (NM_001353949.2, NM_001353950.2, NM_001353951.2 and 2 more transcripts); c.3918+1985del (NM_001353958.2, NM_001353957.2, NM_001165964.3); c.4002+1985del (NM_001202435.3, NM_001353948.2); c.3966+1985del (NM_001353955.2, NM_001353954.2); c.3915+1985del (NM_001353960.2); c.1560+1985del (NM_001353961.2).
Identifiers: ClinVar variation 1531948 (VCV001531948.9), dbSNP rs2105550969, ClinGen allele CA2573133072.
Genomic context (GRCh38, chr2:166,007,733, plus strand): 5'-ACTGTACAACATGCTTTATTCAGTAATGTTGCATAAAAGCACATGCTTTGAAAAAATAAC[AG>A]AACAACAAAAATAAAATGAGTGCCTGAGTTACGCTTTGACGCAGCTATTGTGATTTTATG-3'

ClinVar aggregate classification (germline): Uncertain significance (1 of 4 stars; one submission).

Conditions:
Early-infantile DEE. Also called: Ohtahara syndrome; Early infantile epileptic encephalopathy with suppression bursts; Early infantile epileptic encephalopathy. Identifiers: Orphanet 1934, MedGen C0393706, MONDO:0800491.

Submission:

Labcorp Genetics (formerly Invitae), Labcorp
Classification: Uncertain significance for Early-infantile DEE. Last evaluated: 2024-05-15. Review status: criteria provided, single submitter. Criteria: Invitae Variant Classification Sherloc (09022015). Collection method: clinical testing. Allele origin: germline.
Comment: This sequence change falls in intron 20 of the SCN1A gene. It does not directly change the encoded amino acid sequence of the SCN1A protein. However, this sequence change falls within a region encompassing a cryptic exon in the SCN1A gene, in which variants have been shown to alter splicing (PMID: 30526861, 34107977). This variant is not present in population databases (gnomAD no frequency). This variant has not been reported in the literature in individuals affected with SCN1A-related conditions. ClinVar contains an entry for this variant (Variation ID: 1531948). Algorithms developed to predict the effect of sequence changes on RNA splicing suggest that this variant is not likely to affect RNA splicing. In summary, the available evidence is currently insufficient to determine the role of this variant in disease. Therefore, it has been classified as a Variant of Uncertain Significance.

Literature cited by the submitters: PubMed 30526861; PubMed 34107977.